The following is an entry in ClinVar:

NM_000256.3(MYBPC3):c.806C>T (p.Ser269Leu)

Gene: MYBPC3 (myosin binding protein C3; minus strand). Cytogenetic location: 11p11.2.
Variant type: single nucleotide variant.
Coding change: c.806C>T on transcript NM_000256.3 (MANE Select); coding-DNA position 806, C replaced by T.
Protein change: p.Ser269Leu; replaces serine 269 with leucine.
Molecular consequence: missense variant.
Genome position (GRCh38, 1-based): chr11:47,347,872, G>A on the plus strand (C>T on the coding strand, the complement: MYBPC3 is on the minus strand). VCF-style: chr11-47347872-G-A. GRCh37 (hg19) VCF-style: chr11-47369423-G-A.
Other names: short protein forms S269L.
Identifiers: ClinVar variation 1761866 (VCV001761866.2), dbSNP rs1323097421, ClinGen allele CA380333822.
Genomic context (GRCh38, chr11:47,347,872, plus strand): 5'-GACTCCAGCACTGGCCTCCCCCAGGCCCTGAGGATGGCCACTCACGTGCGGCGGAAGGCT[G>A]ATAGGAGGTCCAGGTCTCCGGTGCCCATGGCCTCTGGGTTCAAAGGGTGGAGAGATGGGG-3'
Protein context (NP_000247.2, residues 259-279): AMGTGDLDLL[Ser269Leu]AFRRTSLAGG

ClinVar aggregate classification (germline): Uncertain significance (1 of 4 stars; one submission).

Conditions:
Cardiovascular phenotype. Identifiers: MedGen CN230736.

Allele frequency attached by ClinVar (database versions not stated): gnomAD exomes below 0.00001.
gnomAD v4.1: 2 of 1,570,168 alleles (0.00013%); highest among the groups gnomAD compares: Admixed American, 0.0038%; no homozygotes.

Submission:

Ambry Genetics
Classification: Uncertain significance for Cardiovascular phenotype. Last evaluated: 2022-10-27. Review status: criteria provided, single submitter. Criteria: Ambry Variant Classification Scheme 2023. Collection method: clinical testing. Allele origin: germline.
Comment: The p.S269L variant (also known as c.806C>T), located in coding exon 7 of the MYBPC3 gene, results from a C to T substitution at nucleotide position 806. The serine at codon 269 is replaced by leucine, an amino acid with dissimilar properties. This amino acid position is conserved. In addition, this alteration is predicted to be tolerated by in silico analysis. Since supporting evidence is limited at this time, the clinical significance of this alteration remains unclear.